The following is an entry in ClinVar:

ClinVar aggregate classification (germline): Likely benign. Review status: criteria provided, multiple submitters, no conflicts (2 of 4 stars). 2 submissions from 2 submitters: Likely benign (2). Last evaluated 2025-08-01.

Conditions:
Neuroblastoma, susceptibility to, 3. Also called: ALK-Related Neuroblastic Tumor Susceptibility. Identifiers: Orphanet 635, MedGen C2751681, MONDO:0013083, OMIM 613014.

Submissions (2):

CeGaT Center for Human Genetics Tuebingen
Classification: Likely benign. Last evaluated: 2025-08-01. Review status: criteria provided, single submitter. Criteria: CeGaT Center For Human Genetics Tuebingen Variant Classification Criteria Version 2. Collection method: clinical testing. Allele origin: germline. Affected: yes. Observed: 1 variant allele.
Comment: ALK: PM2:Supporting, BP4, BP7

Labcorp Genetics (formerly Invitae), Labcorp
Classification: Likely benign for Neuroblastoma, susceptibility to, 3. Last evaluated: 2022-05-31. Review status: criteria provided, single submitter. Criteria: Invitae Variant Classification Sherloc (09022015). Collection method: clinical testing. Allele origin: germline.

NM_004304.5(ALK):c.1086T>C (p.Ile362=)

Gene: ALK (ALK receptor tyrosine kinase; minus strand). Cytogenetic location: 2p23.2.
Variant type: single nucleotide variant.
Coding change: c.1086T>C on transcript NM_004304.5 (MANE Select); coding-DNA position 1086, T replaced by C.
Protein change: p.Ile362=; no amino-acid change (isoleucine 362 retained).
Molecular consequence: synonymous variant.
Genome position (GRCh38, 1-based): chr2:29,531,983, A>G on the plus strand (T>C on the coding strand, the complement: ALK is on the minus strand). VCF-style: chr2-29531983-A-G. GRCh37 (hg19) VCF-style: chr2-29754849-A-G.
Identifiers: ClinVar variation 1996472 (VCV001996472.12), dbSNP rs1039091045, ClinGen allele CA425517464.